The following is an entry in ClinVar:

ClinVar aggregate classification (germline): Uncertain significance. Review status: criteria provided, multiple submitters, no conflicts (2 of 4 stars). 3 submissions from 3 submitters: Uncertain significance (3). Last evaluated 2025-11-21.

Conditions:
Arrhythmogenic right ventricular cardiomyopathy (ARVD). Also called: Cardiomyopathy, ARVC; Arrhythmogenic right ventricular dysplasia; Arrhythmogenic Right Ventricular Cardiomyopathy (ARVC); Arrhythmogenic cardiomyopathy. Identifiers: Orphanet 247, MedGen C0349788, MeSH D019571, MONDO:0016587. Disease mechanism: loss of function. Inheritance: Various modes of inheritance.
Cardiomyopathy (CMYO). Also called: Cardiomyopathies. Identifiers: Orphanet 167848, MedGen C0878544, MONDO:0004994, HP:0001638. Inheritance: Various modes of inheritance.
Arrhythmogenic right ventricular dysplasia 10. Also called: Arrhythmogenic right ventricular dysplasia/cardiomyopathy, type 10; Arrhythmogenic Right Ventricular Dysplasia/Cardiomyopathy10; ARRHYTHMOGENIC RIGHT VENTRICULAR DYSPLASIA, FAMILIAL, 10. Identifiers: MedGen C1857777, MONDO:0012434, OMIM 610193.

Allele frequency attached by ClinVar (database versions not stated): gnomAD exomes 0.00001.
gnomAD v4.1: 18 of 1,614,024 alleles (0.0011%); highest among the groups gnomAD compares: East Asian, 0.04%; no homozygotes.

Submissions (3):

Labcorp Genetics (formerly Invitae), Labcorp
Classification: Uncertain significance for Arrhythmogenic right ventricular dysplasia 10. Last evaluated: 2025-11-21. Review status: criteria provided, single submitter. Criteria: Invitae Variant Classification Sherloc (09022015). Collection method: clinical testing. Allele origin: germline.
Comment: This sequence change replaces aspartic acid, which is acidic and polar, with asparagine, which is neutral and polar, at codon 676 of the DSG2 protein (p.Asp676Asn). This variant is not present in population databases (gnomAD no frequency). This missense change has been observed in individual(s) with sudden unexplained death (PMID: 31024045). ClinVar contains an entry for this variant (Variation ID: 1332397). Invitae Evidence Modeling of protein sequence and biophysical properties (such as structural, functional, and spatial information, amino acid conservation, physicochemical variation, residue mobility, and thermodynamic stability) indicates that this missense variant is not expected to disrupt DSG2 protein function with a negative predictive value of 95%. In summary, the available evidence is currently insufficient to determine the role of this variant in disease. Therefore, it has been classified as a Variant of Uncertain Significance.

Color Diagnostics, LLC DBA Color Health
Classification: Uncertain significance for Cardiomyopathy. Last evaluated: 2025-07-10. Review status: criteria provided, single submitter. Criteria: ACMG Guidelines, 2015. Collection method: clinical testing. Allele origin: germline.
Comment: This missense variant replaces aspartic acid with asparagine at codon 676 of the DSG2 protein. Computational prediction suggests that this variant may not impact protein structure and function. To our knowledge, functional studies have not been reported for this variant. This variant has been reported in an individual affected with dilated cardiomyopathy (PMID: 32659924). This variant has not been identified in the general population by the Genome Aggregation Database (gnomAD). The available evidence is insufficient to determine the role of this variant in disease conclusively. Therefore, this variant is classified as a Variant of Uncertain Significance.

All of Us Research Program, National Institutes of Health
Classification: Uncertain significance for Arrhythmogenic right ventricular cardiomyopathy. Last evaluated: 2023-02-24. Review status: criteria provided, single submitter. Criteria: ACMG Guidelines, 2015. Collection method: clinical testing. Allele origin: germline. Inheritance: Autosomal dominant inheritance. Observed: 1 variant allele, 1 heterozygote.
Comment: This missense variant replaces aspartic acid with asparagine at codon 676 of the DSG2 protein. Computational prediction suggests that this variant may not impact protein structure and function (internally defined REVEL score threshold <= 0.5, PMID: 27666373). To our knowledge, functional studies have not been reported for this variant. This variant has been reported in an individual affected with dilated cardiomyopathy (PMID: 32659924). This variant has not been identified in the general population by the Genome Aggregation Database (gnomAD). The available evidence is insufficient to determine the role of this variant in disease conclusively. Therefore, this variant is classified as a Variant of Uncertain Significance.

This study involves interpretation of variants in research participants for the purpose of population health screening. Participant phenotype was not available at the time of variant classification. Additional details can be found in publication PMID: 35346344, PMCID: PMC8962531

Literature cited by the submitters: PubMed 31024045 (cited by Labcorp Genetics (formerly Invitae), Labcorp); PubMed 32659924 (cited by Color Diagnostics, LLC DBA Color Health and All of Us Research Program, National Institutes of Health).

NM_001943.5(DSG2):c.2026G>A (p.Asp676Asn)

Genes: DSG2 (desmoglein 2; plus strand), DSG2-AS1 (DSG2 antisense RNA 1; minus strand). Cytogenetic location: 18q12.1.
Variant type: single nucleotide variant.
Coding change: c.2026G>A on transcript NM_001943.5 (MANE Select); coding-DNA position 2026, G replaced by A.
Protein change: p.Asp676Asn; replaces aspartic acid 676 with asparagine.
Molecular consequence: missense variant.
Genome position (GRCh38, 1-based): chr18:31,542,544, G>A. VCF-style: chr18-31542544-G-A. GRCh37 (hg19) VCF-style: chr18-29122507-G-A.
Other names: short protein forms D676N.
Identifiers: ClinVar variation 1332397 (VCV001332397.6), dbSNP rs2073274764, ClinGen allele CA402141064.